The following is an entry in ClinVar:

ClinVar aggregate classification (germline): Pathogenic. Review status: criteria provided, single submitter (1 of 4 stars). 2 submissions from 2 submitters: Pathogenic (1). 1 of the submissions does not count toward it. Last evaluated 2023-02-21.

Conditions:
Ellis-van Creveld syndrome (EVC). Also called: EVC2-Related Ellis-van Creveld Syndrome; EVC-Related Ellis-van Creveld Syndrome; Chondroectodermal dysplasia; MESOECTODERMAL DYSPLASIA. Identifiers: Orphanet 289, MedGen C0013903, MONDO:0009162, OMIM 225500.
Curry-Hall syndrome (WAD). Also called: WEYERS ACRODENTAL DYSOSTOSIS. Identifiers: Orphanet 952, MedGen C0457013, MONDO:0008673, OMIM 193530.

Submissions (2):

Labcorp Genetics (formerly Invitae), Labcorp
Classification: Pathogenic for Curry-Hall syndrome; Ellis-van Creveld syndrome. Last evaluated: 2023-02-21. Review status: criteria provided, single submitter. Criteria: Invitae Variant Classification Sherloc (09022015). Collection method: clinical testing. Allele origin: germline.
Comment: For these reasons, this variant has been classified as Pathogenic. Algorithms developed to predict the effect of sequence changes on RNA splicing suggest that this variant may disrupt the consensus splice site. ClinVar contains an entry for this variant (Variation ID: 854827). This variant has not been reported in the literature in individuals affected with EVC2-related conditions. This variant is present in population databases (rs758841632, gnomAD 0.003%). This sequence change creates a premature translational stop signal (p.Gln276Alafs*64) in the EVC2 gene. It is expected to result in an absent or disrupted protein product. Loss-of-function variants in EVC2 are known to be pathogenic (PMID: 17024374, 19810119, 19876929).

Institute of Medical Genetics and Genomics, Sir Ganga Ram Hospital
Classification: Pathogenic for Ellis-van Creveld syndrome. Last evaluated: 2022-01-30. Review status: no assertion criteria provided. Collection method: clinical testing. Allele origin: germline. Inheritance: Autosomal recessive inheritance. Affected: yes. Observed: 1 homozygote. Not counted in ClinVar's aggregate classification.
Comment: The homozygous frameshift deletion variant c.826_827delCA has an allele frequency-0.0004% n gnomAD (aggregated) database and 0.0008% in 1000g. In-silico bioinformatic software predict this variant by mutation taster as Disease causing. Ellis-van Creveld is an autosomal recessive disorder. Based on the phenotypic observation, we classify this variant as pathogenic.

Literature cited by the submitters: PubMed 17024374 (cited by Labcorp Genetics (formerly Invitae), Labcorp); PubMed 19810119 (cited by Labcorp Genetics (formerly Invitae), Labcorp); PubMed 19876929 (cited by Labcorp Genetics (formerly Invitae), Labcorp).

NM_147127.5(EVC2):c.826_827del (p.Gln276fs)

Gene: EVC2 (EvC ciliary complex subunit 2; minus strand). Cytogenetic location: 4p16.2.
Variant type: Microsatellite.
Coding change: c.826_827del on transcript NM_147127.5 (MANE Select); coding-DNA positions 826 to 827, 2 bases deleted (CA; older notation c.826_827delCA).
Protein change: p.Gln276fs; shifts the reading frame from glutamine 276.
Molecular consequence: frameshift variant.
Genome position (GRCh38, 1-based): chr4:5,681,303-5,681,304, TG deleted on the plus strand (CA on the coding strand, the reverse complement: EVC2 is on the minus strand); deleting any 2 consecutive bases within chr4:5,681,303-5,681,307 gives the same sequence; the c. name uses the placement nearest the transcript's 3' end. VCF-style (leftmost placement, unchanged base first): chr4-5681302-CTG-C. GRCh37 (hg19) VCF-style: chr4-5683029-CTG-C.
Other names: c.826_827delCA (NM_147127.5); c.586_587del, p.Gln196fs (NM_001166136.2); short protein forms Q196fs, Q276fs.
Identifiers: ClinVar variation 854827 (VCV000854827.10), dbSNP rs758841632, ClinGen allele CA2835281.